The following is an entry in ClinVar:

ClinVar aggregate classification (germline): Benign (3 of 4 stars; one submission).

Conditions:
Breast-ovarian cancer, familial, susceptibility to, 2 (BROVCA2). Also called: BRCA2 Hereditary Breast and Ovarian Cancer. Identifiers: Orphanet 145, MedGen C2675520, MONDO:0012933, OMIM 612555. Disease mechanism: loss of function.

Allele frequency attached by ClinVar (database versions not stated): gnomAD 0.00001; 1000 Genomes Project 0.24181.

Submission:

Evidence-based Network for the Interpretation of Germline Mutant Alleles (ENIGMA)
Classification: Benign for Breast-ovarian cancer, familial 2. Last evaluated: 2015-01-12. Review status: reviewed by expert panel. Criteria: ENIGMA BRCA1/2 Classification Criteria (2015). Collection method: curation. Allele origin: germline.
Comment: Class 1 not pathogenic based on frequency >1% in an outbred sampleset. Frequency 0.38 (Asian), 0.17 (African), 0.21 (European), derived from 1000 genomes (2012-04-30).

NM_000059.4(BRCA2):c.7008-1393_7008-1392del

Gene: BRCA2 (BRCA2 DNA repair associated; plus strand). Cytogenetic location: 13q13.1.
Variant type: Deletion.
Coding change: c.7008-1393_7008-1392del on transcript NM_000059.4 (MANE Select); 1393 bases into the intron before coding-DNA position 7008 through 1392 bases into the intron before coding-DNA position 7008, 2 bases deleted (TA; older notation c.7008-1393_7008-1392delTA).
Molecular consequence: intron variant.
Genome position (GRCh38, 1-based): chr13:32,353,468-32,353,469, TA deleted. VCF-style (leftmost placement, unchanged base first): chr13-32353467-CTA-C. GRCh37 (hg19) VCF-style: chr13-32927604-CTA-C.
Other names: IVS 13-1393del2.
Identifiers: ClinVar variation 209749 (VCV000209749.1), dbSNP rs145261968, ClinGen allele CA276717.